The following is an entry in ClinVar:

NM_206933.4(USH2A):c.4510A>G (p.Arg1504Gly)

Gene: USH2A (usherin; minus strand). Cytogenetic location: 1q41.
Variant type: single nucleotide variant.
Coding change: c.4510A>G on transcript NM_206933.4 (MANE Select); coding-DNA position 4510, A replaced by G.
Protein change: p.Arg1504Gly; replaces arginine 1504 with glycine.
Molecular consequence: missense variant.
Genome position (GRCh38, 1-based): chr1:216,175,369, T>C on the plus strand (A>G on the coding strand, the complement: USH2A is on the minus strand). VCF-style: chr1-216175369-T-C. GRCh37 (hg19) VCF-style: chr1-216348711-T-C.
Other names: c.4510A>G, p.Arg1504Gly (NM_007123.6); short protein forms R1504G.
Identifiers: ClinVar variation 2174139 (VCV002174139.4), dbSNP rs2527987467, ClinGen allele CA344863743.

ClinVar aggregate classification (germline): Uncertain significance (1 of 4 stars; one submission).

Submission:

Labcorp Genetics (formerly Invitae), Labcorp
Classification: Uncertain significance. Last evaluated: 2022-10-13. Review status: criteria provided, single submitter. Criteria: Invitae Variant Classification Sherloc (09022015). Collection method: clinical testing. Allele origin: germline.
Comment: In summary, the available evidence is currently insufficient to determine the role of this variant in disease. Therefore, it has been classified as a Variant of Uncertain Significance. Advanced modeling of protein sequence and biophysical properties (such as structural, functional, and spatial information, amino acid conservation, physicochemical variation, residue mobility, and thermodynamic stability) has been performed at Invitae for this missense variant, however the output from this modeling did not meet the statistical confidence thresholds required to predict the impact of this variant on USH2A protein function. This variant has not been reported in the literature in individuals affected with USH2A-related conditions. This variant is not present in population databases (gnomAD no frequency). This sequence change replaces arginine, which is basic and polar, with glycine, which is neutral and non-polar, at codon 1504 of the USH2A protein (p.Arg1504Gly).